The following is an entry in ClinVar:

NM_173630.4(RTTN):c.-6G>C

Gene: RTTN (rotatin; minus strand). Cytogenetic location: 18q22.2.
Variant type: single nucleotide variant.
Coding change: c.-6G>C on transcript NM_173630.4 (MANE Select); 6 bases upstream of the start codon, G replaced by C.
Molecular consequence: 5 prime UTR variant.
Genome position (GRCh38, 1-based): chr18:70,205,664, C>G on the plus strand (G>C on the coding strand, the complement: RTTN is on the minus strand). VCF-style: chr18-70205664-C-G. GRCh37 (hg19) VCF-style: chr18-67872900-C-G.
Other names: c.-2559G>C (NM_001318520.2).
Identifiers: ClinVar variation 3050677 (VCV003050677.2), dbSNP rs777028820, ClinGen allele CA8996641.

ClinVar aggregate classification (germline): Likely benign (0 of 4 stars; one submission).

Conditions:
RTTN-related disorder. Also called: RTTN-related condition.

Allele frequency attached by ClinVar (database versions not stated): gnomAD 0.00005; gnomAD exomes 0.00006; TOPMed 0.00006; ExAC 0.00028.
gnomAD v4.1: 101 of 1,613,968 alleles (0.0063%); highest among the groups gnomAD compares: Admixed American, 0.01%; no homozygotes.

Submission:

PreventionGenetics, part of Exact Sciences
Classification: Likely benign for RTTN-related condition. Last evaluated: 2019-07-12. Review status: no assertion criteria provided. Collection method: clinical testing. Allele origin: germline.
Comment: This variant is classified as likely benign based on ACMG/AMP sequence variant interpretation guidelines (Richards et al. 2015 PMID: 25741868, with internal and published modifications).